The following is an entry in ClinVar:

ClinVar aggregate classification (germline): Pathogenic. Review status: criteria provided, multiple submitters, no conflicts (2 of 4 stars). 2 submissions from 2 submitters: Pathogenic (2). Last evaluated 2024-01-06.

Conditions:
Cardiovascular phenotype. Identifiers: MedGen CN230736.
Hypertrophic cardiomyopathy. Also called: HYPERTROPHIC MYOCARDIOPATHY. Identifiers: Orphanet 217569, MedGen C0007194, MeSH D002312, MONDO:0005045, HP:0001639.

Submissions (2):

Labcorp Genetics (formerly Invitae), Labcorp
Classification: Pathogenic for Hypertrophic cardiomyopathy. Last evaluated: 2024-01-06. Review status: criteria provided, single submitter. Criteria: Invitae Variant Classification Sherloc (09022015). Collection method: clinical testing. Allele origin: germline.
Comment: This sequence change creates a premature translational stop signal (p.Cys651Alafs*12) in the MYBPC3 gene. It is expected to result in an absent or disrupted protein product. Loss-of-function variants in MYBPC3 are known to be pathogenic (PMID: 19574547). This variant is not present in population databases (gnomAD no frequency). This variant has not been reported in the literature in individuals affected with MYBPC3-related conditions. ClinVar contains an entry for this variant (Variation ID: 1783224). For these reasons, this variant has been classified as Pathogenic.

Ambry Genetics
Classification: Pathogenic for Cardiovascular phenotype. Last evaluated: 2021-03-04. Review status: criteria provided, single submitter. Criteria: Ambry Variant Classification Scheme 2023. Collection method: clinical testing. Allele origin: germline.
Comment: The c.1950delC pathogenic mutation, located in coding exon 21 of the MYBPC3 gene, results from a deletion of one nucleotide at nucleotide position 1950, causing a translational frameshift with a predicted alternate stop codon (p.C651Afs*12). This alteration is expected to result in loss of function by premature protein truncation or nonsense-mediated mRNA decay. As such, this alteration is interpreted as a disease-causing mutation.

Literature cited by the submitters: PubMed 19574547 (cited by Labcorp Genetics (formerly Invitae), Labcorp).

NM_000256.3(MYBPC3):c.1950del (p.Cys651fs)

Gene: MYBPC3 (myosin binding protein C3; minus strand). Cytogenetic location: 11p11.2.
Variant type: Deletion.
Coding change: c.1950del on transcript NM_000256.3 (MANE Select); coding-DNA position 1950, one base deleted (C; older notation c.1950delC).
Protein change: p.Cys651fs; shifts the reading frame from cysteine 651.
Molecular consequence: frameshift variant.
Genome position (GRCh38, 1-based): chr11:47,339,768, G deleted on the plus strand (C on the coding strand, the reverse complement: MYBPC3 is on the minus strand). VCF-style (leftmost placement, unchanged base first): chr11-47339767-AG-A. GRCh37 (hg19) VCF-style: chr11-47361318-AG-A.
Other names: c.1950delC (NM_000256.3); short protein forms C651fs.
Identifiers: ClinVar variation 1783224 (VCV001783224.5), dbSNP rs2495756497, ClinGen allele CA2580084204.